The following is an entry in ClinVar:

NM_015425.6(POLR1A):c.1544G>A (p.Arg515Gln)

Gene: POLR1A (RNA polymerase I subunit A; minus strand). Cytogenetic location: 2p11.2.
Variant type: single nucleotide variant.
Coding change: c.1544G>A on transcript NM_015425.6 (MANE Select); coding-DNA position 1544, G replaced by A.
Protein change: p.Arg515Gln; replaces arginine 515 with glutamine.
Molecular consequence: missense variant.
Genome position (GRCh38, 1-based): chr2:86,075,097, C>T on the plus strand (G>A on the coding strand, the complement: POLR1A is on the minus strand). VCF-style: chr2-86075097-C-T. GRCh37 (hg19) VCF-style: chr2-86302220-C-T.
Other names: short protein forms R515Q.
Identifiers: ClinVar variation 2996201 (VCV002996201.3), dbSNP rs748546251, ClinGen allele CA1746312.
Genomic context (GRCh38, chr2:86,075,097, plus strand): 5'-GTCCCCTGGGGCTTAGGTGCCCCCGTGGCTGGGGTCAGAAGCTGCTTGGCCACGGCCTCT[C>T]GCTGGGTCATGTCCACAGCGCTCAGGGCTGTGCGGCTGCCGTCCTCATTGATGACCATGG-3'
Protein context (NP_056240.2, residues 505-525): TALSAVDMTQ[Arg515Gln]EAVAKQLLTP

ClinVar aggregate classification (germline): Uncertain significance (1 of 4 stars; one submission).

Allele frequency attached by ClinVar (database versions not stated): TOPMed below 0.00001; ExAC 0.00001.

Submission:

Labcorp Genetics (formerly Invitae), Labcorp
Classification: Uncertain significance. Last evaluated: 2023-08-18. Review status: criteria provided, single submitter. Criteria: Invitae Variant Classification Sherloc (09022015). Collection method: clinical testing. Allele origin: germline.
Comment: In summary, the available evidence is currently insufficient to determine the role of this variant in disease. Therefore, it has been classified as a Variant of Uncertain Significance. Advanced modeling of protein sequence and biophysical properties (such as structural, functional, and spatial information, amino acid conservation, physicochemical variation, residue mobility, and thermodynamic stability) performed at Invitae indicates that this missense variant is expected to disrupt POLR1A protein function. This variant has not been reported in the literature in individuals affected with POLR1A-related conditions. This variant is present in population databases (rs748546251, gnomAD 0.01%). This sequence change replaces arginine, which is basic and polar, with glutamine, which is neutral and polar, at codon 515 of the POLR1A protein (p.Arg515Gln).